The following is an entry in ClinVar:

ClinVar aggregate classification (germline): Likely benign. Review status: criteria provided, multiple submitters, no conflicts (2 of 4 stars). 2 submissions from 2 submitters: Likely benign (2). Last evaluated 2025-09-14.

Conditions:
ACVR1-related disorder. Also called: ACVR1-related condition.

Submissions (2):

PreventionGenetics, part of Exact Sciences
Classification: Likely benign for ACVR1-related condition. Last evaluated: 2025-09-14. Review status: criteria provided, single submitter. Criteria: ACMG Guidelines, 2015. Collection method: clinical testing. Allele origin: germline.
Comment: This variant is classified as likely benign based on ACMG/AMP sequence variant interpretation guidelines (Richards et al. 2015 PMID: 25741868, with internal and published modifications).

Labcorp Genetics (formerly Invitae), Labcorp
Classification: Likely benign. Last evaluated: 2024-09-03. Review status: criteria provided, single submitter. Criteria: Invitae Variant Classification Sherloc (09022015). Collection method: clinical testing. Allele origin: germline.

NM_001111067.4(ACVR1):c.751T>C (p.Leu251=)

Gene: ACVR1 (activin A receptor type 1; minus strand). Cytogenetic location: 2q24.1.
Variant type: single nucleotide variant.
Coding change: c.751T>C on transcript NM_001111067.4 (MANE Select); coding-DNA position 751, T replaced by C.
Protein change: p.Leu251=; no amino-acid change (leucine 251 retained).
Molecular consequence: synonymous variant.
Genome position (GRCh38, 1-based): chr2:157,770,407, A>G on the plus strand (T>C on the coding strand, the complement: ACVR1 is on the minus strand). VCF-style: chr2-157770407-A-G. GRCh37 (hg19) VCF-style: chr2-158626919-A-G.
Other names: c.751T>C (NM_001105.4); c.751T>C, p.Leu251= (NM_001105.5, NM_001347663.1, NM_001347664.1 and 3 more transcripts).
Identifiers: ClinVar variation 3702251 (VCV003702251.3).
Genomic context (GRCh38, chr2:157,770,407, plus strand): 5'-GGGGGTTATCCTTGTACTTACCTAAGATATTTTCATGCCTCAGCATCACAGTGTTGTACA[A>G]TTCCGTTTCCCTGAACCATGACTTCTCATCACGGGAGGAGAAGATCTTCACGGCAACATT-3'
Protein context (NP_001104537.1, residues 241-261): DEKSWFRETE[Leu251=]YNTVMLRHEN